The following is an entry in ClinVar:

NM_000540.3(RYR1):c.1024G>A (p.Glu342Lys)

Gene: RYR1 (ryanodine receptor 1; plus strand). Cytogenetic location: 19q13.2.
Variant type: single nucleotide variant.
Coding change: c.1024G>A on transcript NM_000540.3 (MANE Select); coding-DNA position 1024, G replaced by A.
Protein change: p.Glu342Lys; replaces glutamic acid 342 with lysine.
Molecular consequence: missense variant.
Genome position (GRCh38, 1-based): chr19:38,448,715, G>A. VCF-style: chr19-38448715-G-A. GRCh37 (hg19) VCF-style: chr19-38939355-G-A.
Other names: NM_000540.2(RYR1):c.1024G>A; p.Glu342Lys; NM_001042723.2:c.1024G>A; c.1024G>A, p.Glu342Lys (NM_001042723.2); short protein forms E342K.
Identifiers: ClinVar variation 1214000 (VCV001214000.3), dbSNP rs2145361853, ClinGen allele CA405682843.

ClinVar aggregate classification (germline): Likely pathogenic (3 of 4 stars; one submission).

Conditions:
Malignant hyperthermia, susceptibility to, 1 (MHS1). Also called: RYR1-Related Malignant Hyperthermia Susceptibility; Anesthesia related hyperthermia; Malignant hyperpyrexia; Fulminating hyperpyrexia; Pharmacogenic myopathy; Malignant hyperthermia suceptibility 1. Identifiers: Orphanet 423, MedGen C2930980, MONDO:0007783, OMIM 145600.

Submission:

ClinGen Malignant Hyperthermia Susceptibility Variant Curation Expert Panel, ClinGen
Classification: Likely pathogenic for Malignant hyperthermia, susceptibility to, 1. Last evaluated: 2025-08-01. Review status: reviewed by expert panel. Criteria: RYR1-MHS Interpretation Guidelines V2. Collection method: curation. Allele origin: germline. Inheritance: Autosomal dominant inheritance. Study: ClinGen.
Comment: This pathogenicity assessment is relevant only for malignant hyperthermia susceptibility (MHS) inherited in an autosomal dominant pattern. Variants in RYR1 can also cause other myopathies inherited in an autosomal dominant pattern or in an autosomal recessive pattern. Some of these disorders may predispose individuals to malignant hyperthermia. RYR1 variants may also contribute to a malignant hyperthermia reaction in combination with other genetic and non-genetic factors and the clinician needs to consider such factors in making management decisions. This sequence variant predicts a substitution of glutamic acid with lysine at codon 342 of the RYR1 protein, p.(Glu342Lys). This variant was not present in a large population database (gnomAD) at the time this variant was interpreted. This variant has been reported in an individual with a personal or family history of an MH episode and a positive in vitro contracture test (IVCT) or caffeine halothane contracture test (CHCT) result (if the proband was unavailable for testing, a positive diagnostic test result in a mutation-positive relative was counted), PS4_Supporting (PMID:24433488). Functional studies in HEK293 cells show an increased sensitivity to RYR1 agonists, PS3_Moderate (PMID: 39890490). This variant resides in a region of RYR1 considered to be a hotspot for pathogenic variants that contribute to MHS, PM1 (PMID: 21118704). A REVEL score >0.85 (0.927) supports a pathogenic status for this variant, PP3_Moderate. This variant has been classified as a Variant of Likely Pathogenic. Criteria implemented: PS3_Moderate, PS4_Supporting, PM1, PP3_Moderate.